The following is an entry in ClinVar:

NM_005235.3(ERBB4):c.548G>T (p.Ser183Ile)

Gene: ERBB4 (erb-b2 receptor tyrosine kinase 4; minus strand). Cytogenetic location: 2q34.
Variant type: single nucleotide variant.
Coding change: c.548G>T on transcript NM_005235.3 (MANE Select); coding-DNA position 548, G replaced by T.
Protein change: p.Ser183Ile; replaces serine 183 with isoleucine.
Molecular consequence: missense variant.
Genome position (GRCh38, 1-based): chr2:211,788,033, C>A on the plus strand (G>T on the coding strand, the complement: ERBB4 is on the minus strand). VCF-style: chr2-211788033-C-A. GRCh37 (hg19) VCF-style: chr2-212652758-C-A.
Other names: c.548G>T, p.Ser183Ile (NM_001042599.2); short protein forms S183I.
Identifiers: ClinVar variation 3675557 (VCV003675557.2).

ClinVar aggregate classification (germline): Uncertain significance (1 of 4 stars; one submission).

gnomAD v4.1: 3 of 1,613,512 alleles (0.00019%); highest among the groups gnomAD compares: South Asian, 0.0033%; no homozygotes.

Submission:

Labcorp Genetics (formerly Invitae), Labcorp
Classification: Uncertain significance. Last evaluated: 2024-07-20. Review status: criteria provided, single submitter. Criteria: Invitae Variant Classification Sherloc (09022015). Collection method: clinical testing. Allele origin: germline.
Comment: This sequence change replaces serine, which is neutral and polar, with isoleucine, which is neutral and non-polar, at codon 183 of the ERBB4 protein (p.Ser183Ile). This variant is present in population databases (no rsID available, gnomAD 0.003%). This variant has not been reported in the literature in individuals affected with ERBB4-related conditions. Advanced modeling of protein sequence and biophysical properties (such as structural, functional, and spatial information, amino acid conservation, physicochemical variation, residue mobility, and thermodynamic stability) performed at Invitae indicates that this missense variant is not expected to disrupt ERBB4 protein function with a negative predictive value of 80%. In summary, the available evidence is currently insufficient to determine the role of this variant in disease. Therefore, it has been classified as a Variant of Uncertain Significance.